The following is an entry in ClinVar:

ClinVar aggregate classification (germline): Uncertain significance (1 of 4 stars; one submission).

Submission:

GeneDx
Classification: Uncertain significance. Last evaluated: 2019-05-08. Review status: criteria provided, single submitter. Criteria: GeneDx Variant Classification Process June 2021. Collection method: clinical testing. Allele origin: germline. Affected: yes.
Comment: Not observed in large population cohorts (Lek et al., 2016); In silico analysis, which includes protein predictors and evolutionary conservation, supports a deleterious effect; Has not been previously published as pathogenic or benign to our knowledge

NM_000048.4(ASL):c.998T>C (p.Phe333Ser)

Gene: ASL (argininosuccinate lyase; plus strand). Cytogenetic location: 7q11.21.
Variant type: single nucleotide variant.
Coding change: c.998T>C on transcript NM_000048.4 (MANE Select); coding-DNA position 998, T replaced by C.
Protein change: p.Phe333Ser; replaces phenylalanine 333 with serine.
Molecular consequence: missense variant.
Genome position (GRCh38, 1-based): chr7:66,089,631, T>C. VCF-style: chr7-66089631-T-C. GRCh37 (hg19) VCF-style: chr7-65554618-T-C.
Other names: c.998T>C, p.Phe333Ser (NM_001024943.2); c.938T>C, p.Phe313Ser (NM_001024944.2); c.920T>C, p.Phe307Ser (NM_001024946.2); short protein forms F307S, F313S, F333S.
Identifiers: ClinVar variation 1305757 (VCV001305757.2), dbSNP rs2115746685, ClinGen allele CA367647134.